The following is an entry in ClinVar:

NM_025243.4(SLC19A3):c.189C>A (p.Tyr63Ter)

Gene: SLC19A3 (solute carrier family 19 member 3; minus strand). Cytogenetic location: 2q36.3.
Variant type: single nucleotide variant.
Coding change: c.189C>A on transcript NM_025243.4 (MANE Select); coding-DNA position 189, C replaced by A.
Protein change: p.Tyr63Ter; replaces tyrosine 63 with a stop codon.
Molecular consequence: nonsense.
Genome position (GRCh38, 1-based): chr2:227,699,526, G>T on the plus strand (C>A on the coding strand, the complement: SLC19A3 is on the minus strand). VCF-style: chr2-227699526-G-T. GRCh37 (hg19) VCF-style: chr2-228564242-G-T.
Other names: short protein forms Y63*.
Identifiers: ClinVar variation 620288 (VCV000620288.10), dbSNP rs1559250774, ClinGen allele CA350877742.

ClinVar aggregate classification (germline): Pathogenic. Review status: criteria provided, multiple submitters, no conflicts (2 of 4 stars). 3 submissions from 3 submitters: Pathogenic (3). Last evaluated 2025-04-21.

Conditions:
Biotin-responsive basal ganglia disease (BTBGD). Also called: THIAMINE METABOLISM DYSFUNCTION SYNDROME 2 (BIOTIN- AND THIAMINE-RESPONSIVE TYPE); Thiamine Transporter-2 Deficiency; Thiamine metabolism dysfunction syndrome type 2; Thiamine metabolism dysfunction syndrome 2 (biotin- or thiamine-responsive encephalopathy type 2); thiamine-responsive encephalopathy. Identifiers: Orphanet 199348, Orphanet 65284, MedGen C1843807, MONDO:0011841, OMIM 607483.

Submissions (3):

Myriad Genetics, Inc.
Classification: Pathogenic for Biotin-responsive basal ganglia disease. Last evaluated: 2025-04-21. Review status: criteria provided, single submitter. Criteria: Myriad Autosomal Dominant, Autosomal Recessive and X-Linked Classification Criteria (2023). Collection method: clinical testing. Allele origin: unknown.
Comment: NM_025243.3(SLC19A3):c.189C>A(Y63*) is expected to be pathogenic in the context of biotin-thiamine-responsive basal ganglia disease. This variant is predicted to lead to an abnormal or absent protein product due to the creation of a premature termination codon in SLC19A3, a gene where loss-of-function variants are known to be pathogenic. Please note: this variant was assessed in the context of healthy population screening.

GeneDx
Classification: Pathogenic. Last evaluated: 2023-12-08. Review status: criteria provided, single submitter. Criteria: GeneDx Variant Classification Process June 2021. Collection method: clinical testing. Allele origin: germline. Affected: yes.
Comment: Nonsense variant predicted to result in protein truncation or nonsense mediated decay in a gene for which loss of function is a known mechanism of disease; Not observed at significant frequency in large population cohorts (gnomAD); Has not been previously published as pathogenic or benign to our knowledge

Labcorp Genetics (formerly Invitae), Labcorp
Classification: Pathogenic for Biotin-responsive basal ganglia disease. Last evaluated: 2020-07-07. Review status: criteria provided, single submitter. Criteria: Invitae Variant Classification Sherloc (09022015). Collection method: clinical testing. Allele origin: germline.
Comment: This variant has not been reported in the literature in individuals with SLC19A3-related conditions. ClinVar contains an entry for this variant (Variation ID: 620288). This variant is not present in population databases (ExAC no frequency). This sequence change creates a premature translational stop signal (p.Tyr63*) in the SLC19A3 gene. It is expected to result in an absent or disrupted protein product. Loss-of-function variants in SLC19A3 are known to be pathogenic (PMID: 23423671, 23482991). For these reasons, this variant has been classified as Pathogenic.

Literature cited by the submitters: PubMed 23423671 (cited by Labcorp Genetics (formerly Invitae), Labcorp); PubMed 23482991 (cited by Labcorp Genetics (formerly Invitae), Labcorp).